The following is an entry in ClinVar:

ClinVar aggregate classification (germline): Uncertain significance. Review status: criteria provided, multiple submitters, no conflicts (2 of 4 stars). 2 submissions from 2 submitters: Uncertain significance (2). Last evaluated 2025-08-10.

Conditions:
Charcot-Marie-Tooth disease type 4. Also called: Charcot-Marie-Tooth disease, type IV; Charcot-Marie-Tooth, Type 4. Identifiers: Orphanet 64749, MedGen C4082197, MONDO:0018995.
Inborn genetic diseases. Identifiers: MedGen C0950123, MeSH D030342.

Allele frequency attached by ClinVar (database versions not stated): gnomAD 0.00001; gnomAD exomes 0.00001 and 0.00003; ExAC 0.00002; TOPMed 0.00002; ESP Exome Variant Server 0.00008.
gnomAD v4.1: 15 of 1,614,144 alleles (0.00093%); highest among the groups gnomAD compares: East Asian, 0.0089%; no homozygotes.

Submissions (2):

Ambry Genetics
Classification: Uncertain significance for Inborn genetic diseases. Last evaluated: 2025-08-10. Review status: criteria provided, single submitter. Criteria: Ambry Variant Classification Scheme 2023. Collection method: clinical testing. Allele origin: germline.

Labcorp Genetics (formerly Invitae), Labcorp
Classification: Uncertain significance for Charcot-Marie-Tooth disease type 4. Last evaluated: 2022-01-17. Review status: criteria provided, single submitter. Criteria: Invitae Variant Classification Sherloc (09022015). Collection method: clinical testing. Allele origin: germline.
Comment: This sequence change replaces arginine, which is basic and polar, with glutamine, which is neutral and polar, at codon 404 of the PRX protein (p.Arg404Gln). In summary, the available evidence is currently insufficient to determine the role of this variant in disease. Therefore, it has been classified as a Variant of Uncertain Significance. Algorithms developed to predict the effect of missense changes on protein structure and function (SIFT, PolyPhen-2, Align-GVGD) all suggest that this variant is likely to be tolerated. ClinVar contains an entry for this variant (Variation ID: 639050). This variant has not been reported in the literature in individuals affected with PRX-related conditions. This variant is present in population databases (rs146948818, gnomAD 0.02%).

NM_181882.3(PRX):c.1211G>A (p.Arg404Gln)

Gene: PRX (periaxin; minus strand). Cytogenetic location: 19q13.2.
Variant type: single nucleotide variant.
Coding change: c.1211G>A on transcript NM_181882.3 (MANE Select); coding-DNA position 1211, G replaced by A.
Protein change: p.Arg404Gln; replaces arginine 404 with glutamine.
Molecular consequence: missense variant. On other transcripts: 3 prime UTR variant (1).
Genome position (GRCh38, 1-based): chr19:40,397,141, C>T on the plus strand (G>A on the coding strand, the complement: PRX is on the minus strand). VCF-style: chr19-40397141-C-T. GRCh37 (hg19) VCF-style: chr19-40903048-C-T.
Other names: c.*1416G>A (NM_020956.2); short protein forms R404Q.
Identifiers: ClinVar variation 639050 (VCV000639050.6), dbSNP rs146948818, ClinGen allele CA9444303.